The following is an entry in ClinVar:

NM_001267550.2(TTN):c.19008T>A (p.Asp6336Glu)

Gene: TTN (titin; minus strand). Cytogenetic location: 2q31.2.
Variant type: single nucleotide variant.
Coding change: c.19008T>A on transcript NM_001267550.2 (MANE Select); coding-DNA position 19008, T replaced by A.
Protein change: p.Asp6336Glu; replaces aspartic acid 6336 with glutamic acid.
Molecular consequence: missense variant. On other transcripts: intron variant (3).
Genome position (GRCh38, 1-based): chr2:178,729,030, A>T on the plus strand (T>A on the coding strand, the complement: TTN is on the minus strand). VCF-style: chr2-178729030-A-T. GRCh37 (hg19) VCF-style: chr2-179593757-A-T.
Other names: c.18057T>A, p.Asp6019Glu (NM_001256850.1); c.15276T>A, p.Asp5092Glu (NM_133378.4); c.13282+9052T>A (NM_003319.4); c.13858+9052T>A (NM_133437.4); c.13657+9052T>A (NM_133432.3); short protein forms D6019E, D6336E, D5092E.
Identifiers: ClinVar variation 518041 (VCV000518041.1), dbSNP rs1416824072, ClinGen allele CA349558493.

ClinVar aggregate classification (germline): Likely benign (1 of 4 stars; one submission).

Allele frequency attached by ClinVar (database versions not stated): gnomAD 0.00003 and 0.00001; TOPMed 0.00001.
gnomAD v4.1: 1 of 1,612,816 alleles (0.000062%); highest among the groups gnomAD compares: African/African-American, 0.0013%; no homozygotes.

Submission:

GeneDx
Classification: Likely benign. Last evaluated: 2017-06-14. Review status: criteria provided, single submitter. Criteria: GeneDx Variant Classification (06012015). Collection method: clinical testing. Allele origin: germline. Affected: yes.
Comment: This variant is considered likely benign or benign based on one or more of the following criteria: it is a conservative change, it occurs at a poorly conserved position in the protein, it is predicted to be benign by multiple in silico algorithms, and/or has population frequency not consistent with disease.